The following is an entry in ClinVar:

NM_001142800.2(EYS):c.6371T>G (p.Val2124Gly)

Gene: EYS (EGF-like photoreceptor maintenance factor; minus strand). Cytogenetic location: 6q12.
Variant type: single nucleotide variant.
Coding change: c.6371T>G on transcript NM_001142800.2 (MANE Select); coding-DNA position 6371, T replaced by G.
Protein change: p.Val2124Gly; replaces valine 2124 with glycine.
Molecular consequence: missense variant.
Genome position (GRCh38, 1-based): chr6:64,230,645, A>C on the plus strand (T>G on the coding strand, the complement: EYS is on the minus strand). VCF-style: chr6-64230645-A-C. GRCh37 (hg19) VCF-style: chr6-64940538-A-C.
Other names: c.6371T>G, p.Val2124Gly (NM_001292009.2); short protein forms V2124G.
Identifiers: ClinVar variation 1906691 (VCV001906691.5), dbSNP rs2533946454, ClinGen allele CA364391250.

ClinVar aggregate classification (germline): Uncertain significance (1 of 4 stars; one submission).

Submission:

Labcorp Genetics (formerly Invitae), Labcorp
Classification: Uncertain significance. Last evaluated: 2022-04-26. Review status: criteria provided, single submitter. Criteria: Invitae Variant Classification Sherloc (09022015). Collection method: clinical testing. Allele origin: germline.
Comment: This variant is not present in population databases (gnomAD no frequency). In summary, the available evidence is currently insufficient to determine the role of this variant in disease. Therefore, it has been classified as a Variant of Uncertain Significance. This variant has not been reported in the literature in individuals affected with EYS-related conditions. Algorithms developed to predict the effect of missense changes on protein structure and function are either unavailable or do not agree on the potential impact of this missense change (SIFT: "Deleterious"; PolyPhen-2: "Benign"; Align-GVGD: "Class C0"). This sequence change replaces valine, which is neutral and non-polar, with glycine, which is neutral and non-polar, at codon 2124 of the EYS protein (p.Val2124Gly).